The following is an entry in ClinVar:

NM_000051.4(ATM):c.7248C>T (p.Leu2416=)

Genes: ATM (ATM serine/threonine kinase; plus strand), C11orf65 (chromosome 11 open reading frame 65; minus strand). Cytogenetic location: 11q22.3.
Variant type: single nucleotide variant.
Coding change: c.7248C>T on transcript NM_000051.4 (MANE Select); coding-DNA position 7248, C replaced by T.
Protein change: p.Leu2416=; no amino-acid change (leucine 2416 retained).
Molecular consequence: synonymous variant. On other transcripts: intron variant (2).
Genome position (GRCh38, 1-based): chr11:108,329,179, C>T. VCF-style: chr11-108329179-C-T. GRCh37 (hg19) VCF-style: chr11-108199906-C-T.
Other names: c.7248C>T, p.Leu2416= (NM_001351834.2); c.641-20108G>A (NM_001330368.2); c.*38+6041G>A (NM_001351110.2).
Identifiers: ClinVar variation 185600 (VCV000185600.19), dbSNP rs750513866, ClinGen allele CA192390.

ClinVar aggregate classification (germline): Benign/Likely benign. Review status: criteria provided, multiple submitters, no conflicts (2 of 4 stars). 8 submissions from 8 submitters: Benign (1); Likely benign (7). Last evaluated 2025-11-11.

Conditions:
Hereditary cancer-predisposing syndrome. Also called: Hereditary Cancer Syndrome; Tumor predisposition; Neoplastic Syndromes, Hereditary; Hereditary neoplastic syndrome. Identifiers: Orphanet 140162, MedGen C0027672, MeSH D009386, MONDO:0015356.
Familial cancer of breast. Also called: hereditary breast carcinoma; BREAST CANCER, FAMILIAL; Hereditary breast cancer. Identifiers: Orphanet 227535, MedGen C0346153, MONDO:0016419, OMIM 114480. Disease mechanism: loss of function.
Ataxia-telangiectasia syndrome (AT). Also called: ATAXIA-TELANGIECTASIA, COMPLEMENTATION GROUP A; ATAXIA-TELANGIECTASIA, FRESNO VARIANT; Ataxia-telangiectasia; Ataxia-telangiectasia, complementation group E; Cerebello-oculocutaneous telangiectasia; Immunodeficiency with ataxia telangiectasia. Identifiers: Orphanet 100, MedGen C0004135, MONDO:0008840, OMIM 208900.

Allele frequency attached by ClinVar (database versions not stated): gnomAD exomes below 0.00001; ExAC 0.00001.
gnomAD v4.1: 1 of 1,613,966 alleles (0.000062%); highest among the groups gnomAD compares: Non-Finnish European, 0.000085%; no homozygotes.

Submissions (8):

Labcorp Genetics (formerly Invitae), Labcorp
Classification: Likely benign for Ataxia-telangiectasia syndrome. Last evaluated: 2025-11-11. Review status: criteria provided, single submitter. Criteria: Invitae Variant Classification Sherloc (09022015). Collection method: clinical testing. Allele origin: germline.

Myriad Genetics, Inc.
Classification: Benign for Familial cancer of breast. Last evaluated: 2024-06-13. Review status: criteria provided, single submitter. Criteria: Myriad Autosomal Dominant, Autosomal Recessive and X-Linked Classification Criteria (2023). Collection method: clinical testing. Allele origin: unknown.
Comment: This variant is considered benign. This variant is a silent/synonymous amino acid change and it is not expected to impact splicing.

Department of Pathology and Laboratory Medicine, Sinai Health System
Classification: Likely benign for Familial cancer of breast. Last evaluated: 2023-05-15. Review status: criteria provided, single submitter. Criteria: ACMG Guidelines, 2015. Collection method: clinical testing. Allele origin: germline. Affected: yes.

Women's Health and Genetics/Laboratory Corporation of America, LabCorp
Classification: Likely benign. Last evaluated: 2022-08-11. Review status: criteria provided, single submitter. Criteria: LabCorp Variant Classification Summary - May 2015. Collection method: clinical testing. Allele origin: germline.

Mendelics
Classification: Likely benign for Ataxia-telangiectasia syndrome. Last evaluated: 2019-05-28. Review status: criteria provided, single submitter. Criteria: Mendelics Assertion Criteria 2017. Collection method: clinical testing. Allele origin: unknown.

Color Diagnostics, LLC DBA Color Health
Classification: Likely benign for Hereditary cancer-predisposing syndrome. Last evaluated: 2017-07-28. Review status: criteria provided, single submitter. Criteria: ACMG Guidelines, 2015. Collection method: clinical testing. Allele origin: germline.

Ambry Genetics
Classification: Likely benign for Hereditary cancer-predisposing syndrome. Last evaluated: 2016-02-12. Review status: criteria provided, single submitter. Criteria: Ambry Variant Classification Scheme 2023. Collection method: clinical testing. Allele origin: germline.

GeneDx
Classification: Likely benign. Last evaluated: 2015-12-19. Review status: criteria provided, single submitter. Criteria: GeneDx Variant Classification (06012015). Collection method: clinical testing. Allele origin: germline. Affected: yes.
Comment: This variant is considered likely benign or benign based on one or more of the following criteria: it is a conservative change, it occurs at a poorly conserved position in the protein, it is predicted to be benign by multiple in silico algorithms, and/or has population frequency not consistent with disease.